The following is an entry in ClinVar:

NM_152296.5(ATP1A3):c.1351G>A (p.Glu451Lys)

Gene: ATP1A3 (ATPase Na+/K+ transporting subunit alpha 3; minus strand). Cytogenetic location: 19q13.2.
Variant type: single nucleotide variant.
Coding change: c.1351G>A on transcript NM_152296.5 (MANE Select); coding-DNA position 1351, G replaced by A.
Protein change: p.Glu451Lys; replaces glutamic acid 451 with lysine.
Molecular consequence: missense variant.
Genome position (GRCh38, 1-based): chr19:41,981,588, C>T on the plus strand (G>A on the coding strand, the complement: ATP1A3 is on the minus strand). VCF-style: chr19-41981588-C-T. GRCh37 (hg19) VCF-style: chr19-42485740-C-T.
Other names: c.1384G>A, p.Glu462Lys (NM_001256213.2); c.1390G>A, p.Glu464Lys (NM_001256214.2); short protein forms E451K, E462K, E464K.
Identifiers: ClinVar variation 2783247 (VCV002783247.3), dbSNP rs2514065106, ClinGen allele CA406049733.
Genomic context (GRCh38, chr19:41,981,588, plus strand): 5'-GAATCTCAGCCACTTTCTTGTTGCGTTCACGCATCAGCTTCACGGAGCCAGAGGACAGCT[C>T]GATGCACTTGAGCAGGGCAGACTCAGACGCATCCCCAGCCACATCCCTCTGCAAGGAGAA-3'
Protein context (NP_689509.1, residues 441-461): ASESALLKCI[Glu451Lys]LSSGSVKLMR

ClinVar aggregate classification (germline): Uncertain significance (1 of 4 stars; one submission).

Conditions:
Dystonia 12 (DYT12). Also called: DYT-ATP1A3; Rapid-Onset Dystonia-Parkinsonism (RDP). Identifiers: Orphanet 71517, MedGen C1868681, MONDO:0007496, OMIM 128235.

Submission:

Labcorp Genetics (formerly Invitae), Labcorp
Classification: Uncertain significance for Dystonia 12. Last evaluated: 2024-04-01. Review status: criteria provided, single submitter. Criteria: Invitae Variant Classification Sherloc (09022015). Collection method: clinical testing. Allele origin: germline.
Comment: This sequence change replaces glutamic acid, which is acidic and polar, with lysine, which is basic and polar, at codon 451 of the ATP1A3 protein (p.Glu451Lys). This variant is not present in population databases (gnomAD no frequency). This variant has not been reported in the literature in individuals affected with ATP1A3-related conditions. Advanced modeling of protein sequence and biophysical properties (such as structural, functional, and spatial information, amino acid conservation, physicochemical variation, residue mobility, and thermodynamic stability) performed at Invitae indicates that this missense variant is expected to disrupt ATP1A3 protein function with a positive predictive value of 95%. In summary, the available evidence is currently insufficient to determine the role of this variant in disease. Therefore, it has been classified as a Variant of Uncertain Significance.